The following is an entry in ClinVar:

ClinVar aggregate classification (germline): Uncertain significance (1 of 4 stars; one submission).

Allele frequency attached by ClinVar (database versions not stated): gnomAD 0.00003; TOPMed 0.00004; gnomAD exomes 0.00006 and 0.00010; ExAC 0.00008; 1000 Genomes Project 30x 0.00016; 1000 Genomes Project 0.00020.
gnomAD v4.1: 39 of 1,614,064 alleles (0.0024%); highest among the groups gnomAD compares: Admixed American, 0.045%; no homozygotes.

Submission:

Labcorp Genetics (formerly Invitae), Labcorp
Classification: Uncertain significance. Last evaluated: 2022-09-27. Review status: criteria provided, single submitter. Criteria: Invitae Variant Classification Sherloc (09022015). Collection method: clinical testing. Allele origin: germline.
Comment: This sequence change replaces threonine, which is neutral and polar, with isoleucine, which is neutral and non-polar, at codon 918 of the VPS11 protein (p.Thr918Ile). This variant is present in population databases (rs558557176, gnomAD 0.07%). This variant has not been reported in the literature in individuals affected with VPS11-related conditions. ClinVar contains an entry for this variant (Variation ID: 1495891). Experimental studies and prediction algorithms are not available or were not evaluated, and the functional significance of this variant is currently unknown. In summary, the available evidence is currently insufficient to determine the role of this variant in disease. Therefore, it has been classified as a Variant of Uncertain Significance.

NM_021729.6(VPS11):c.2753C>T (p.Thr918Ile)

Gene: VPS11 (VPS11 core subunit of CORVET and HOPS complexes; plus strand). Cytogenetic location: 11q23.3.
Variant type: single nucleotide variant.
Coding change: c.2753C>T on transcript NM_021729.6 (MANE Select); coding-DNA position 2753, C replaced by T.
Protein change: p.Thr918Ile; replaces threonine 918 with isoleucine.
Molecular consequence: missense variant. On other transcripts: non-coding transcript variant (8).
Genome position (GRCh38, 1-based): chr11:119,081,550, C>T. VCF-style: chr11-119081550-C-T. GRCh37 (hg19) VCF-style: chr11-118952260-C-T.
Other names: c.2723C>T, p.Thr908Ile (NM_001290185.2); c.2765C>T, p.Thr922Ile (NM_001378218.1, NM_001378219.1); c.2738C>T, p.Thr913Ile (NM_001378220.1); c.2735C>T, p.Thr912Ile (NM_001378221.1); short protein forms T908I, T913I, T918I, T922I, T912I.
Identifiers: ClinVar variation 1495891 (VCV001495891.5), dbSNP rs558557176, ClinGen allele CA6313787.